The following is an entry in ClinVar:

NM_000262.3(NAGA):c.1031G>A (p.Arg344Lys)

Gene: NAGA (alpha-N-acetylgalactosaminidase; minus strand). Cytogenetic location: 22q13.2.
Variant type: single nucleotide variant.
Coding change: c.1031G>A on transcript NM_000262.3 (MANE Select); coding-DNA position 1031, G replaced by A.
Protein change: p.Arg344Lys; replaces arginine 344 with lysine.
Molecular consequence: missense variant.
Genome position (GRCh38, 1-based): chr22:42,060,994, C>T on the plus strand (G>A on the coding strand, the complement: NAGA is on the minus strand). VCF-style: chr22-42060994-C-T. GRCh37 (hg19) VCF-style: chr22-42456998-C-T.
Other names: c.1031G>A, p.Arg344Lys (NM_001362848.1, NM_001362850.1); short protein forms R344K.
Identifiers: ClinVar variation 5004575 (VCV005004575.1).

ClinVar aggregate classification (germline): Uncertain significance (1 of 4 stars; one submission).

Conditions:
Alpha-N-acetylgalactosaminidase deficiency. Identifiers: Orphanet 3137, MedGen C5848084, MONDO:0017779.

Submission:

Myriad Genetics, Inc.
Classification: Uncertain significance for Alpha-N-acetylgalactosaminidase deficiency. Last evaluated: 2026-03-31. Review status: criteria provided, single submitter. Criteria: Myriad Autosomal Dominant, Autosomal Recessive and X-Linked Classification Criteria (2023). Collection method: clinical testing. Allele origin: unknown.
Comment: NM_000262.2(NAGA):c.1031G>A(R344K) is a missense variant classified as a variant of uncertain significance in the context of NAGA-related disorders. R344K has not been observed in cases with relevant disease. Relevant functional assessments of this variant are not available in the literature. R344K has not been observed in referenced population frequency databases. In summary, there is insufficient evidence to classify NM_000262.2(NAGA):c.1031G>A(R344K) as pathogenic or benign. Please note: this variant was assessed in the context of healthy population screening.